The following is an entry in ClinVar:

ClinVar aggregate classification (germline): Uncertain significance (1 of 4 stars; one submission).

Allele frequency attached by ClinVar (database versions not stated): gnomAD exomes below 0.00001; TOPMed below 0.00001.

Submission:

Labcorp Genetics (formerly Invitae), Labcorp
Classification: Uncertain significance. Last evaluated: 2023-07-03. Review status: criteria provided, single submitter. Criteria: Invitae Variant Classification Sherloc (09022015). Collection method: clinical testing. Allele origin: germline.
Comment: In summary, the available evidence is currently insufficient to determine the role of this variant in disease. Therefore, it has been classified as a Variant of Uncertain Significance. Algorithms developed to predict the effect of sequence changes on RNA splicing suggest that this variant may disrupt the consensus splice site. This variant has not been reported in the literature in individuals affected with IL12RB2-related conditions. This variant is not present in population databases (gnomAD no frequency). This sequence change creates a premature translational stop signal (p.Trp246*) in the IL12RB2 gene. It is expected to result in an absent or disrupted protein product. However, the current clinical and genetic evidence is not sufficient to establish whether loss-of-function variants in IL12RB2 cause disease.

NM_001374259.2(IL12RB2):c.737G>A (p.Trp246Ter)

Gene: IL12RB2 (interleukin 12 receptor subunit beta 2; plus strand). Cytogenetic location: 1p31.3.
Variant type: single nucleotide variant.
Coding change: c.737G>A on transcript NM_001374259.2 (MANE Select); coding-DNA position 737, G replaced by A.
Protein change: p.Trp246Ter; replaces tryptophan 246 with a stop codon.
Molecular consequence: nonsense. On other transcripts: non-coding transcript variant (2).
Genome position (GRCh38, 1-based): chr1:67,329,659, G>A. VCF-style: chr1-67329659-G-A. GRCh37 (hg19) VCF-style: chr1-67795342-G-A.
Other names: c.737G>A, p.Trp246Ter (NM_001258214.1, NM_001258215.1, NM_001258216.1 and 2 more transcripts); short protein forms W246*.
Identifiers: ClinVar variation 2794693 (VCV002794693.3), dbSNP rs1657795651, ClinGen allele CA340733777.